The following is an entry in ClinVar:

ClinVar aggregate classification (germline): Pathogenic (1 of 4 stars; one submission).

Submission:

GeneDx
Classification: Pathogenic. Last evaluated: 2016-10-20. Review status: criteria provided, single submitter. Criteria: GeneDx Variant Classification (06012015). Collection method: clinical testing. Allele origin: germline. Affected: yes.
Comment: The F417S variant in the PORCN gene has been reported previously as a de novo variant in a femalewith abnormalities of the hands, feet, nails and teeth as well as sparse hair, microphthalmia,microcephaly and dural ectasia (Garavelli et al., 2013). The F417S variant was not observed inapproximately 6400 individuals of European and African American ancestry in the NHLBI ExomeSequencing Project, indicating it is not a common benign variant in these populations. The F417Svariant is a non-conservative amino acid substitution, which is likely to impact secondary proteinstructure as these residues differ in polarity, charge, size and/or other properties, occurs at a positionthat is conserved across species and in silico analysis predicts this variant is probably damaging to theprotein structure/function. We interpret F417S as a pathogenic variant.

NM_203475.3(PORCN):c.1250T>C (p.Phe417Ser)

Gene: PORCN (porcupine O-acyltransferase; plus strand). Cytogenetic location: Xp11.23.
Variant type: single nucleotide variant.
Coding change: c.1250T>C on transcript NM_203475.3 (MANE Select); coding-DNA position 1250, T replaced by C.
Protein change: p.Phe417Ser; replaces phenylalanine 417 with serine.
Molecular consequence: missense variant.
Genome position (GRCh38, 1-based): chrX:48,517,259, T>C. VCF-style: chrX-48517259-T-C. GRCh37 (hg19) VCF-style: chrX-48375647-T-C.
Other names: c.1004T>C, p.Phe335Ser (NM_001282167.2); c.1217T>C, p.Phe406Ser (NM_022825.4); c.1235T>C, p.Phe412Ser (NM_203473.3); c.1232T>C, p.Phe411Ser (NM_203474.1); short protein forms F412S, F417S, F406S, F335S, F411S.
Identifiers: ClinVar variation 372731 (VCV000372731.2), dbSNP rs1057517951, ClinGen allele CA16043319.